The following is an entry in ClinVar:

ClinVar aggregate classification (germline): Uncertain significance (1 of 4 stars; one submission).

Conditions:
Arrhythmogenic right ventricular dysplasia 9 (ARVD9). Also called: Arrhythmogenic Right Ventricular Dysplasia/Cardiomyopathy 9; ARRHYTHMOGENIC RIGHT VENTRICULAR DYSPLASIA, FAMILIAL, 9. Identifiers: MedGen C1836906, MONDO:0012180, OMIM 609040.

Submission:

Labcorp Genetics (formerly Invitae), Labcorp
Classification: Uncertain significance for Arrhythmogenic right ventricular dysplasia 9. Last evaluated: 2023-04-29. Review status: criteria provided, single submitter. Criteria: Invitae Variant Classification Sherloc (09022015). Collection method: clinical testing. Allele origin: germline.
Comment: This sequence change replaces arginine, which is basic and polar, with lysine, which is basic and polar, at codon 302 of the PKP2 protein (p.Arg302Lys). In summary, the available evidence is currently insufficient to determine the role of this variant in disease. Therefore, it has been classified as a Variant of Uncertain Significance. An algorithm developed to predict the effect of missense changes on protein structure and function (PolyPhen-2) suggests that this variant is likely to be tolerated. This variant has not been reported in the literature in individuals affected with PKP2-related conditions. This variant is not present in population databases (gnomAD no frequency).

NM_001005242.3(PKP2):c.905G>A (p.Arg302Lys)

Gene: PKP2 (plakophilin 2; minus strand). Cytogenetic location: 12p11.21.
Variant type: single nucleotide variant.
Coding change: c.905G>A on transcript NM_001005242.3 (MANE Select); coding-DNA position 905, G replaced by A.
Protein change: p.Arg302Lys; replaces arginine 302 with lysine.
Molecular consequence: missense variant.
Genome position (GRCh38, 1-based): chr12:32,877,975, C>T on the plus strand (G>A on the coding strand, the complement: PKP2 is on the minus strand). VCF-style: chr12-32877975-C-T. GRCh37 (hg19) VCF-style: chr12-33030909-C-T.
Other names: c.905G>A, p.Arg302Lys (NM_001407155.1, NM_001407156.1, NM_001407157.1 and 2 more transcripts); c.578G>A, p.Arg193Lys (NM_001407158.1, NM_001407159.1, NM_001407160.1 and 1 more transcripts); short protein forms R193K, R302K.
Identifiers: ClinVar variation 2728377 (VCV002728377.3), dbSNP rs2541338980, ClinGen allele CA384362058.
Genomic context (GRCh38, chr12:32,877,975, plus strand): 5'-CCGACAGTCAAGTGCGCTCTCCTCCCGCTGGAATCCACGGCGACACTGGGCCCAGCTTCC[C>T]TCAGCGTGCGGGTGCTGTGGAAGGAGCTCTGATGCCAGGAGGACCTGGAAGCCCTGTTCT-3'
Protein context (NP_001005242.2, residues 292-312): QSSFHSTRTL[Arg302Lys]EAGPSVAVDS